The following is an entry in ClinVar:

ClinVar aggregate classification (germline): Uncertain significance. Review status: criteria provided, multiple submitters, no conflicts (2 of 4 stars). 2 submissions from 2 submitters: Uncertain significance (2). Last evaluated 2025-06-05.

Conditions:
Renal cell carcinoma. Identifiers: Orphanet 217071, MedGen C0007134, MeSH D002292, MONDO:0005086, HP:0005584.
Hereditary cancer-predisposing syndrome. Also called: Neoplastic Syndromes, Hereditary; Hereditary Cancer Syndrome; Tumor predisposition; Hereditary neoplastic syndrome. Identifiers: Orphanet 140162, MedGen C0027672, MeSH D009386, MONDO:0015356.

Submissions (2):

Ambry Genetics
Classification: Uncertain significance for Hereditary cancer-predisposing syndrome. Last evaluated: 2025-06-05. Review status: criteria provided, single submitter. Criteria: Ambry Variant Classification Scheme 2023. Collection method: clinical testing. Allele origin: germline.
Comment: The p.E297D variant (also known as c.891G>C), located in coding exon 1 of the MET gene, results from a G to C substitution at nucleotide position 891. The glutamic acid at codon 297 is replaced by aspartic acid, an amino acid with highly similar properties. This amino acid position is well conserved in available vertebrate species. In addition, this alteration is predicted to be tolerated by in silico analysis. Based on the available evidence, the clinical significance of this variant remains unclear.

Labcorp Genetics (formerly Invitae), Labcorp
Classification: Uncertain significance for Renal cell carcinoma. Last evaluated: 2021-06-26. Review status: criteria provided, single submitter. Criteria: Invitae Variant Classification Sherloc (09022015). Collection method: clinical testing. Allele origin: germline.
Comment: This sequence change replaces glutamic acid with aspartic acid at codon 297 of the MET protein (p.Glu297Asp). The glutamic acid residue is highly conserved and there is a small physicochemical difference between glutamic acid and aspartic acid. This variant is not present in population databases (ExAC no frequency). This variant has not been reported in the literature in individuals with MET-related conditions. Algorithms developed to predict the effect of missense changes on protein structure and function are either unavailable or do not agree on the potential impact of this missense change (SIFT: "Deleterious"; PolyPhen-2: "Probably Damaging"; Align-GVGD: "Class C0"). In summary, the available evidence is currently insufficient to determine the role of this variant in disease. Therefore, it has been classified as a Variant of Uncertain Significance.

NM_000245.4(MET):c.891G>C (p.Glu297Asp)

Gene: MET (MET proto-oncogene, receptor tyrosine kinase; plus strand). Cytogenetic location: 7q31.2.
Variant type: single nucleotide variant.
Coding change: c.891G>C on transcript NM_000245.4 (MANE Select); coding-DNA position 891, G replaced by C.
Protein change: p.Glu297Asp; replaces glutamic acid 297 with aspartic acid.
Molecular consequence: missense variant. On other transcripts: intron variant (1).
Genome position (GRCh38, 1-based): chr7:116,699,975, G>C. VCF-style: chr7-116699975-G-C. GRCh37 (hg19) VCF-style: chr7-116340029-G-C.
Other names: c.891G>C (NM_001127500.1); c.891G>C, p.Glu297Asp (NM_001127500.3, NM_001324401.3); c.-91+27398G>C (NM_001324402.2); short protein forms E297D.
Identifiers: ClinVar variation 1036967 (VCV001036967.9), dbSNP rs1791506647, ClinGen allele CA368970081.
Genomic context (GRCh38, chr7:116,699,975, plus strand): 5'-AATAATCAGGTTCTGTTCCATAAACTCTGGATTGCATTCCTACATGGAAATGCCTCTGGA[G>C]TGTATTCTCACAGAAAAGAGAAAAAAGAGATCCACAAAGAAGGAAGTGTTTAATATACTT-3'
Protein context (NP_000236.2, residues 287-307): GLHSYMEMPL[Glu297Asp]CILTEKRKKR